The following is an entry in ClinVar:

NM_001160372.4(TRAPPC9):c.289G>T (p.Glu97Ter)

Gene: TRAPPC9 (trafficking protein particle complex subunit 9; minus strand). Cytogenetic location: 8q24.3.
Variant type: single nucleotide variant.
Coding change: c.289G>T on transcript NM_001160372.4 (MANE Select); coding-DNA position 289, G replaced by T.
Protein change: p.Glu97Ter; replaces glutamic acid 97 with a stop codon.
Molecular consequence: nonsense. On other transcripts: non-coding transcript variant (1).
Genome position (GRCh38, 1-based): chr8:140,451,085, C>A on the plus strand (G>T on the coding strand, the complement: TRAPPC9 is on the minus strand). VCF-style: chr8-140451085-C-A. GRCh37 (hg19) VCF-style: chr8-141461184-C-A.
Other names: c.289G>T, p.Glu97Ter (NM_001321646.2, NM_001374682.1, NM_001374683.1 and 2 more transcripts); short protein forms E97*.
Identifiers: ClinVar variation 1452925 (VCV001452925.10), dbSNP rs781469639, ClinGen allele CA186536322.

ClinVar aggregate classification (germline): Pathogenic. Review status: criteria provided, multiple submitters, no conflicts (2 of 4 stars). 4 submissions from 4 submitters: Pathogenic (4). Last evaluated 2026-07-12.

Conditions:
Intellectual developmental disorder, autosomal recessive 13. Also called: Intellectual disability, autosomal recessive 13. Identifiers: Orphanet 88616, MedGen C2750791, MONDO:0013173, OMIM 613192.
Inborn genetic diseases. Identifiers: MedGen C0950123, MeSH D030342.

Allele frequency attached by ClinVar (database versions not stated): gnomAD 0.00002; gnomAD exomes 0.00001; TOPMed 0.00003.
gnomAD v4.1: 81 of 1,613,908 alleles (0.005%); highest among the groups gnomAD compares: Non-Finnish European, 0.0069%; no homozygotes.

Submissions (4):

Victorian Clinical Genetics Services, Murdoch Childrens Research Institute
Classification: Pathogenic for Intellectual developmental disorder, autosomal recessive 13. Last evaluated: 2026-07-12. Review status: criteria provided, single submitter. Criteria: ACMG Guidelines, 2015. Collection method: clinical testing. Allele origin: germline. Affected: yes.
Comment: This variant is classified as Pathogenic. Evidence in support of pathogenic classification: This variant is predicted to cause nonsense-mediated decay (NMD) and loss of protein (premature termination codon is located at least 54 nucleotides upstream of the final exon-exon junction); This variant is present in gnomAD <0.01 for a recessive condition (v4: 81 heterozygote(s), 0 homozygote(s)); This variant has moderate previous evidence of pathogenicity in unrelated individuals. This variant has been classified as pathogenic by clinical laboratories in ClinVar. - Other variants comparable to the one identified in this case have very strong previous evidence for pathogenicity (DECIPHER). Additional information: This variant is heterozygous; This gene is associated with autosomal recessive disease; Loss of function is a known mechanism of disease in this gene and is associated with autosomal recessive intellectual developmental disorder 13 (MIM#613192); Inheritance information for this variant is not currently available in this individual.

Women's Health and Genetics/Laboratory Corporation of America, LabCorp
Classification: Pathogenic for Intellectual developmental disorder, autosomal recessive 13. Last evaluated: 2024-12-02. Review status: criteria provided, single submitter. Criteria: LabCorp Variant Classification Summary - May 2015. Collection method: clinical testing. Allele origin: germline.
Comment: Variant summary: TRAPPC9 c.289G>T (p.Glu97X) results in a premature termination codon, predicted to cause absence of the protein due to nonsense mediated decay, which is a commonly known mechanism for disease. The variant allele was found at a frequency of 1.2e-05 in 251444 control chromosomes. To our knowledge, no occurrence of c.289G>T in individuals affected with Intellectual Disability, Autosomal Recessive 13 and no experimental evidence demonstrating its impact on protein function have been reported. ClinVar contains an entry for this variant (Variation ID: 1452925). Based on the evidence outlined above, the variant was classified as pathogenic.

Labcorp Genetics (formerly Invitae), Labcorp
Classification: Pathogenic. Last evaluated: 2024-09-29. Review status: criteria provided, single submitter. Criteria: Invitae Variant Classification Sherloc (09022015). Collection method: clinical testing. Allele origin: germline.
Comment: This sequence change creates a premature translational stop signal (p.Glu195*) in the TRAPPC9 gene. It is expected to result in an absent or disrupted protein product. Loss-of-function variants in TRAPPC9 are known to be pathogenic (PMID: 2000476, 20004763, 20004764). This variant is present in population databases (rs781469639, gnomAD 0.002%). This variant has not been reported in the literature in individuals affected with TRAPPC9-related conditions. ClinVar contains an entry for this variant (Variation ID: 1452925). For these reasons, this variant has been classified as Pathogenic.

Ambry Genetics
Classification: Pathogenic for Inborn genetic diseases. Last evaluated: 2018-12-22. Review status: criteria provided, single submitter. Criteria: Ambry Variant Classification Scheme 2023. Collection method: clinical testing. Allele origin: germline.
Comment: The p.E195* pathogenic mutation (also known as c.583G>T), located in coding exon 2 of the TRAPPC9 gene, results from a G to T substitution at nucleotide position 583. This changes the amino acid from a glutamic acid to a stop codon within coding exon 2. This alteration is expected to result in loss of function by premature protein truncation or nonsense-mediated mRNA decay. As such, this alteration is interpreted as a disease-causing mutation.

Literature cited by the submitters: PubMed 2000476 (cited by Labcorp Genetics (formerly Invitae), Labcorp); PubMed 20004763 (cited by Labcorp Genetics (formerly Invitae), Labcorp); PubMed 20004764 (cited by Labcorp Genetics (formerly Invitae), Labcorp).